The following is an entry in ClinVar:

NM_003809.3(TNFSF12):c.506T>C (p.Phe169Ser)

Genes: TNFSF12 (TNF superfamily member 12; plus strand), TNFSF12-TNFSF13 (TNFSF12-TNFSF13 readthrough; plus strand). Cytogenetic location: 17p13.1.
Variant type: single nucleotide variant.
Coding change: c.506T>C on transcript NM_003809.3 (MANE Select); coding-DNA position 506, T replaced by C.
Protein change: p.Phe169Ser; replaces phenylalanine 169 with serine.
Molecular consequence: missense variant. On other transcripts: non-coding transcript variant (1), intron variant (1).
Genome position (GRCh38, 1-based): chr17:7,557,106, T>C. VCF-style: chr17-7557106-T-C. GRCh37 (hg19) VCF-style: chr17-7460423-T-C.
Other names: c.498+204T>C (NM_172089.4); short protein forms F169S.
Identifiers: ClinVar variation 1718193 (VCV001718193.6), dbSNP rs2508362024, ClinGen allele CA397862251.

ClinVar aggregate classification (germline): Uncertain significance (1 of 4 stars; one submission).

Conditions:
Common variable immunodeficiency (CVID). Also called: Common variable hypogamma-globulinemia; Common variable agammaglobulinemia. Identifiers: Orphanet 1572, MedGen C0009447, MONDO:0015517.

Submission:

Labcorp Genetics (formerly Invitae), Labcorp
Classification: Uncertain significance for Common variable immunodeficiency. Last evaluated: 2025-07-21. Review status: criteria provided, single submitter. Criteria: Invitae Variant Classification Sherloc (09022015). Collection method: clinical testing. Allele origin: germline.
Comment: This sequence change replaces phenylalanine, which is neutral and non-polar, with serine, which is neutral and polar, at codon 169 of the TNFSF12 protein (p.Phe169Ser). This variant is not present in population databases (gnomAD no frequency). This variant has not been reported in the literature in individuals affected with TNFSF12-related conditions. ClinVar contains an entry for this variant (Variation ID: 1718193). An algorithm developed to predict the effect of missense changes on protein structure and function (PolyPhen-2) suggests that this variant is likely to be disruptive. In summary, the available evidence is currently insufficient to determine the role of this variant in disease. Therefore, it has been classified as a Variant of Uncertain Significance.